The following is an entry in ClinVar:

NM_001267550.2(TTN):c.35346del (p.Val11783fs)

Gene: TTN (titin; minus strand). Cytogenetic location: 2q31.2.
Variant type: Deletion.
Coding change: c.35346del on transcript NM_001267550.2 (MANE Select); coding-DNA position 35346, one base deleted (A; older notation c.35346delA).
Protein change: p.Val11783fs; shifts the reading frame from valine 11783.
Molecular consequence: frameshift variant. On other transcripts: intron variant (3).
Genome position (GRCh38, 1-based): chr2:178,670,258, T deleted on the plus strand (A on the coding strand, the reverse complement: TTN is on the minus strand); the first of 5 consecutive T bases (chr2:178,670,258-178,670,262); deleting any one gives the same sequence. VCF-style (leftmost placement, unchanged base first): chr2-178670257-CT-C. GRCh37 (hg19) VCF-style: chr2-179534984-CT-C.
Other names: c.34224del, p.Val11409fs (NM_001256850.1); c.31443del, p.Val10482fs (NM_133378.4); c.13283-27941del (NM_003319.4); c.13859-27941del (NM_133437.4); c.13658-27941del (NM_133432.3); short protein forms V11783fs, V10482fs, V11409fs.
Identifiers: ClinVar variation 1469860 (VCV001469860.8), dbSNP rs2154263836, ClinGen allele CA2573133857.

ClinVar aggregate classification (germline): Likely pathogenic (1 of 4 stars; one submission).

Conditions:
Dilated cardiomyopathy 1G (CMD1G). Identifiers: Orphanet 154, MedGen C1858763, MONDO:0011400, OMIM 604145.
Autosomal recessive limb-girdle muscular dystrophy type 2J (LGMDR10). Also called: Limb-girdle muscular dystrophy, type 2J; MUSCULAR DYSTROPHY, LIMB-GIRDLE, AUTOSOMAL RECESSIVE 10. Identifiers: Orphanet 140922, MedGen C1837342, MONDO:0012127, OMIM 608807.

Submission:

Labcorp Genetics (formerly Invitae), Labcorp
Classification: Likely pathogenic for Dilated cardiomyopathy 1G; Autosomal recessive limb-girdle muscular dystrophy type 2J. Last evaluated: 2024-10-18. Review status: criteria provided, single submitter. Criteria: Invitae Variant Classification Sherloc (09022015). Collection method: clinical testing. Allele origin: germline.
Comment: This sequence change creates a premature translational stop signal (p.Val11783Tyrfs*32) in the TTN gene. While this is not anticipated to result in nonsense mediated decay, it is expected to create a truncated TTN protein. This variant is not present in population databases (gnomAD no frequency). This variant has not been reported in the literature in individuals affected with TTN-related conditions. ClinVar contains an entry for this variant (Variation ID: 1469860). This variant is located in the I band of TTN (PMID: 25589632). Truncating variants in this region have been reported in individuals affected with autosomal recessive centronuclear myopathy (PMID: 23975875, internal data). Truncating variants in this region have also been identified in individuals affected with autosomal dominant dilated cardiomyopathy and/or cardio-related conditions (PMID: 27869827, 32964742, internal data). In summary, the currently available evidence indicates that the variant is pathogenic, but additional data are needed to prove that conclusively. Therefore, this variant has been classified as Likely Pathogenic.

Literature cited by the submitters: PubMed 25589632; PubMed 23975875; PubMed 27869827; PubMed 32964742.